The following is an entry in ClinVar:

ClinVar aggregate classification (germline): Uncertain significance (1 of 4 stars; one submission).

Conditions:
Emery-Dreifuss muscular dystrophy 4, autosomal dominant (EDMD4). Also called: EMERY-DREIFUSS MUSCULAR DYSTROPHY 4 WITH VARIABLE FEATURES. Identifiers: Orphanet 261, MedGen C2751807, MONDO:0013071, OMIM 612998.
Autosomal recessive ataxia, Beauce type. Also called: SYNE1-Related Autosomal Recessive Cerebellar Ataxia; Spinocerebellar ataxia, autosomal recessive 8; ATAXIA, RECESSIVE, OF BEAUCE; SYNE1 Deficiency. Identifiers: Orphanet 88644, MedGen C1853116, MONDO:0012549, OMIM 610743.

Submission:

Labcorp Genetics (formerly Invitae), Labcorp
Classification: Uncertain significance for Emery-Dreifuss muscular dystrophy 4, autosomal dominant; Autosomal recessive ataxia, Beauce type. Last evaluated: 2022-09-01. Review status: criteria provided, single submitter. Criteria: Invitae Variant Classification Sherloc (09022015). Collection method: clinical testing. Allele origin: germline.
Comment: In summary, the available evidence is currently insufficient to determine the role of this variant in disease. Therefore, it has been classified as a Variant of Uncertain Significance. This sequence change replaces threonine, which is neutral and polar, with serine, which is neutral and polar, at codon 1137 of the SYNE1 protein (p.Thr1137Ser). This variant is not present in population databases (gnomAD no frequency). This variant has not been reported in the literature in individuals affected with SYNE1-related conditions. ClinVar contains an entry for this variant (Variation ID: 575725). Algorithms developed to predict the effect of missense changes on protein structure and function output the following: SIFT: "Tolerated"; PolyPhen-2: "Benign"; Align-GVGD: "Class C0". The serine amino acid residue is found in multiple mammalian species, which suggests that this missense change does not adversely affect protein function.

NM_182961.4(SYNE1):c.3388A>T (p.Thr1130Ser)

Gene: SYNE1 (spectrin repeat containing nuclear envelope protein 1; minus strand). Cytogenetic location: 6q25.2.
Variant type: single nucleotide variant.
Coding change: c.3388A>T on transcript NM_182961.4 (MANE Select); coding-DNA position 3388, A replaced by T.
Protein change: p.Thr1130Ser; replaces threonine 1130 with serine.
Molecular consequence: missense variant.
Genome position (GRCh38, 1-based): chr6:152,450,632, T>A on the plus strand (A>T on the coding strand, the complement: SYNE1 is on the minus strand). VCF-style: chr6-152450632-T-A. GRCh37 (hg19) VCF-style: chr6-152771767-T-A.
Other names: c.3409A>T, p.Thr1137Ser (NM_033071.5); short protein forms T1130S, T1137S.
Identifiers: ClinVar variation 575725 (VCV000575725.10), dbSNP rs1194769025, ClinGen allele CA366149436.
Genomic context (GRCh38, chr6:152,450,632, plus strand): 5'-CTAACAGAATTAAGTTTGACTACACCCCTCTCTGGAGGCCATTCTGAGGCTACCTGCTAG[T>A]GTAGTCCTTCCACTTGTCTGGGTCTTCCATGAGCTTCCTGTAGGTGCTGTCAATGGCAGC-3'
Protein context (NP_892006.3, residues 1120-1140): MEDPDKWKDY[Thr1130Ser]SRFSEFSSWI